The following is an entry in ClinVar:

NM_000038.6(APC):c.4483A>G (p.Ser1495Gly)

Gene: APC (APC regulator of Wnt signaling pathway; plus strand). Cytogenetic location: 5q22.2.
Variant type: single nucleotide variant.
Coding change: c.4483A>G on transcript NM_000038.6 (MANE Select); coding-DNA position 4483, A replaced by G.
Protein change: p.Ser1495Gly; replaces serine 1495 with glycine.
Molecular consequence: missense variant.
Genome position (GRCh38, 1-based): chr5:112,840,077, A>G. VCF-style: chr5-112840077-A-G. GRCh37 (hg19) VCF-style: chr5-112175774-A-G.
Other names: c.4483A>G, p.Ser1495Gly (NM_001127510.3, NM_001354895.2); c.4429A>G, p.Ser1477Gly (NM_001127511.3); c.4537A>G, p.Ser1513Gly (NM_001354896.2); c.4513A>G, p.Ser1505Gly (NM_001354897.2); c.4408A>G, p.Ser1470Gly (NM_001354898.2); c.4399A>G, p.Ser1467Gly (NM_001354899.2); c.4360A>G, p.Ser1454Gly (NM_001354900.2); c.4306A>G, p.Ser1436Gly (NM_001354901.2); and 5 more; short protein forms S1495G, S1513G, S1212G, S1436G, S1467G, S1470G, S1505G, S1369G.
Identifiers: ClinVar variation 824928 (VCV000824928.17), dbSNP rs1580648712, ClinGen allele CA16031145.

ClinVar aggregate classification (germline): Uncertain significance. Review status: criteria provided, multiple submitters, no conflicts (2 of 4 stars). 3 submissions from 3 submitters: Uncertain significance (3). Last evaluated 2026-04-09.

Conditions:
Classic or attenuated familial adenomatous polyposis. Identifiers: MedGen CN372698, MONDO:0021057.
Familial adenomatous polyposis 1 (FAP1). Also called: FAMILIAL ADENOMATOUS POLYPOSIS 1, ATTENUATED; POLYPOSIS, ADENOMATOUS INTESTINAL. Identifiers: MedGen C2713442, MONDO:0021056, OMIM 175100. Disease mechanism: loss of function.
Hereditary cancer-predisposing syndrome. Also called: Tumor predisposition; Neoplastic Syndromes, Hereditary; Hereditary neoplastic syndrome; Hereditary Cancer Syndrome. Identifiers: Orphanet 140162, MedGen C0027672, MeSH D009386, MONDO:0015356.

Allele frequency attached by ClinVar (database versions not stated): gnomAD exomes below 0.00001.
gnomAD v4.1: 1 of 1,614,148 alleles (0.000062%); highest among the groups gnomAD compares: Admixed American, 0.0017%; no homozygotes.

Submissions (3):

Ambry Genetics
Classification: Uncertain significance for Hereditary cancer-predisposing syndrome. Last evaluated: 2026-04-09. Review status: criteria provided, single submitter. Criteria: Ambry Variant Classification Scheme 2023. Collection method: clinical testing. Allele origin: germline.
Comment: The p.S1495G variant (also known as c.4483A>G), located in coding exon 15 of the APC gene, results from an A to G substitution at nucleotide position 4483. The serine at codon 1495 is replaced by glycine, an amino acid with similar properties. This amino acid position is highly conserved in available vertebrate species. In addition, in silico predictors for this gene do not accurately predict pathogenicity. Missense alterations in APC are not a common cause of disease (Spier I et al. Genet Med. 2024 Feb;26(2):100992). Based on the available evidence, the clinical significance of this variant remains unclear.

Labcorp Genetics (formerly Invitae), Labcorp
Classification: Uncertain significance for Familial adenomatous polyposis 1. Last evaluated: 2025-06-11. Review status: criteria provided, single submitter. Criteria: Invitae Variant Classification Sherloc (09022015). Collection method: clinical testing. Allele origin: germline.
Comment: This sequence change replaces serine, which is neutral and polar, with glycine, which is neutral and non-polar, at codon 1495 of the APC protein (p.Ser1495Gly). This variant is not present in population databases (gnomAD no frequency). This variant has not been reported in the literature in individuals affected with APC-related conditions. ClinVar contains an entry for this variant (Variation ID: 824928). Invitae Evidence Modeling of protein sequence and biophysical properties (such as structural, functional, and spatial information, amino acid conservation, physicochemical variation, residue mobility, and thermodynamic stability) indicates that this missense variant is not expected to disrupt APC protein function with a negative predictive value of 95%. In summary, the available evidence is currently insufficient to determine the role of this variant in disease. Therefore, it has been classified as a Variant of Uncertain Significance.

All of Us Research Program, National Institutes of Health
Classification: Uncertain significance for Classic or attenuated familial adenomatous polyposis. Last evaluated: 2024-04-16. Review status: criteria provided, single submitter. Criteria: ACMG Guidelines, 2015. Collection method: clinical testing. Allele origin: germline. Inheritance: Autosomal dominant inheritance. Observed: 1 variant allele, 1 heterozygote.
Comment: This missense variant replaces serine with glycine at codon 1495 of the APC protein. Computational prediction suggests that this variant may not impact protein structure and function (internally defined REVEL score threshold <= 0.5, PMID: 27666373). To our knowledge, functional studies have not been reported for this variant. This variant has not been reported in individuals affected with APC-related disorders in the literature. This variant has not been identified in the general population by the Genome Aggregation Database (gnomAD). The available evidence is insufficient to determine the role of this variant in disease conclusively. Therefore, this variant is classified as a Variant of Uncertain Significance.

This study involves interpretation of variants in research participants for the purpose of population health screening. Participant phenotype was not available at the time of variant classification. Additional details can be found in publication PMID: 35346344, PMCID: PMC8962531